The following is an entry in ClinVar:

NM_006904.7(PRKDC):c.793T>G (p.Tyr265Asp)

Gene: PRKDC (protein kinase, DNA-activated, catalytic subunit; minus strand). Cytogenetic location: 8q11.21.
Variant type: single nucleotide variant.
Coding change: c.793T>G on transcript NM_006904.7 (MANE Select); coding-DNA position 793, T replaced by G.
Protein change: p.Tyr265Asp; replaces tyrosine 265 with aspartic acid.
Molecular consequence: missense variant.
Genome position (GRCh38, 1-based): chr8:47,943,868, A>C on the plus strand (T>G on the coding strand, the complement: PRKDC is on the minus strand). VCF-style: chr8-47943868-A-C. GRCh37 (hg19) VCF-style: chr8-48856428-A-C.
Other names: c.793T>G, p.Tyr265Asp (NM_001081640.2); short protein forms Y265D.
Identifiers: ClinVar variation 2564516 (VCV002564516.2), dbSNP rs2551880774, ClinGen allele CA371136366.
Genomic context (GRCh38, chr8:47,943,868, plus strand): 5'-TTTAGTAATCTAAAATATTATACCTCATTATAAACAGAATCCTACCTGAGGGCACAGCAT[A>C]TCTCTTCAGATCAATCTATTTTAGAAAAGAAAAATTCACCATCAGTATTTGAAAGTCTGC-3'
Protein context (NP_008835.5, residues 255-275): AIRPQIDLKR[Tyr265Asp]AVPSAGLRLF

ClinVar aggregate classification (germline): Uncertain significance (1 of 4 stars; one submission).

Submission:

Ambry Genetics
Classification: Uncertain significance. Last evaluated: 2023-04-08. Review status: criteria provided, single submitter. Criteria: Ambry Variant Classification Scheme 2023. Collection method: clinical testing. Allele origin: germline.
Comment: The p.Y265D variant (also known as c.793T>G), located in coding exon 9 of the PRKDC gene, results from a T to G substitution at nucleotide position 793. The tyrosine at codon 265 is replaced by aspartic acid, an amino acid with highly dissimilar properties. This amino acid position is conserved. In addition, this alteration is predicted to be deleterious by in silico analysis. Since supporting evidence is limited at this time, the clinical significance of this alteration remains unclear.